The following is an entry in ClinVar:

NM_000240.4(MAOA):c.172G>A (p.Glu58Lys)

Gene: MAOA (monoamine oxidase A; plus strand). Cytogenetic location: Xp11.3.
Variant type: single nucleotide variant.
Coding change: c.172G>A on transcript NM_000240.4 (MANE Select); coding-DNA position 172, G replaced by A.
Protein change: p.Glu58Lys; replaces glutamic acid 58 with lysine.
Molecular consequence: missense variant. On other transcripts: 5 prime UTR variant (1).
Genome position (GRCh38, 1-based): chrX:43,693,294, G>A. VCF-style: chrX-43693294-G-A. GRCh37 (hg19) VCF-style: chrX-43552541-G-A.
Other names: c.-228G>A (NM_001270458.2); short protein forms E58K.
Identifiers: ClinVar variation 1307018 (VCV001307018.3), dbSNP rs759325782, ClinGen allele CA10390734.

ClinVar aggregate classification (germline): Uncertain significance. Review status: criteria provided, multiple submitters, no conflicts (2 of 4 stars). 2 submissions from 2 submitters: Uncertain significance (2). Last evaluated 2025-11-12.

Conditions:
Brunner syndrome (BRNRS). Identifiers: Orphanet 3057, MedGen C0796275, MONDO:0010379, OMIM 300615.

Allele frequency attached by ClinVar (database versions not stated): gnomAD exomes below 0.00001 and 0.00001.
gnomAD v4.1: 3 of 1,210,772 alleles (0.00025%); highest among the groups gnomAD compares: East Asian, 0.0059%; no homozygotes.

Submissions (2):

Labcorp Genetics (formerly Invitae), Labcorp
Classification: Uncertain significance for Brunner syndrome. Last evaluated: 2025-11-12. Review status: criteria provided, single submitter. Criteria: Invitae Variant Classification Sherloc (09022015). Collection method: clinical testing. Allele origin: germline.
Comment: This sequence change replaces glutamic acid, which is acidic and polar, with lysine, which is basic and polar, at codon 58 of the MAOA protein (p.Glu58Lys). This variant is present in population databases (rs759325782, gnomAD 0.02%). This variant has not been reported in the literature in individuals affected with MAOA-related conditions. ClinVar contains an entry for this variant (Variation ID: 1307018). Invitae Evidence Modeling of protein sequence and biophysical properties (such as structural, functional, and spatial information, amino acid conservation, physicochemical variation, residue mobility, and thermodynamic stability) indicates that this missense variant is not expected to disrupt MAOA protein function with a negative predictive value of 80%. In summary, the available evidence is currently insufficient to determine the role of this variant in disease. Therefore, it has been classified as a Variant of Uncertain Significance.

GeneDx
Classification: Uncertain significance. Last evaluated: 2020-01-28. Review status: criteria provided, single submitter. Criteria: GeneDx Variant Classification Process June 2021. Collection method: clinical testing. Allele origin: germline. Affected: yes.
Comment: In silico analysis, which includes protein predictors and evolutionary conservation, supports that this variant does not alter protein structure/function; Has not been previously published as pathogenic or benign to our knowledge